The following is an entry in ClinVar:

NM_001042517.2(DIAPH3):c.2773A>T (p.Met925Leu)

Gene: DIAPH3 (diaphanous related formin 3; minus strand). Cytogenetic location: 13q21.2.
Variant type: single nucleotide variant.
Coding change: c.2773A>T on transcript NM_001042517.2 (MANE Select); coding-DNA position 2773, A replaced by T.
Protein change: p.Met925Leu; replaces methionine 925 with leucine.
Molecular consequence: missense variant.
Genome position (GRCh38, 1-based): chr13:59,839,413, T>A on the plus strand (A>T on the coding strand, the complement: DIAPH3 is on the minus strand). VCF-style: chr13-59839413-T-A. GRCh37 (hg19) VCF-style: chr13-60413547-T-A.
Other names: c.2740A>T, p.Met914Leu (NM_001258366.2); c.2635A>T, p.Met879Leu (NM_001258367.2); c.2563A>T, p.Met855Leu (NM_001258368.2); c.2773A>T, p.Met925Leu (NM_001258369.2); c.1984A>T, p.Met662Leu (NM_030932.4); short protein forms M914L, M925L, M662L, M855L, M879L.
Identifiers: ClinVar variation 1306961 (VCV001306961.3), dbSNP rs2139767745, ClinGen allele CA388328422.
Genomic context (GRCh38, chr13:59,839,413, plus strand): 5'-AGTCCTCAGGAGGGGGAAAGGTTTCCAATTCCTTCTCAAGCTGTTGAAGCTGCCTTCCCA[T>A]CTGCCTCAAATTCTTTTCCAGCGTTTCTACAGAGACTAAAAGAGAGTATATTAAATGCCC-3'
Protein context (NP_001035982.1, residues 915-935): VETLEKNLRQ[Met925Leu]GRQLQQLEKE

ClinVar aggregate classification (germline): Likely benign (1 of 4 stars; one submission).

Submission:

GeneDx
Classification: Likely benign. Last evaluated: 2022-08-17. Review status: criteria provided, single submitter. Criteria: GeneDx Variant Classification Process June 2021. Collection method: clinical testing. Allele origin: germline. Affected: yes.
Comment: See Variant Classification Assertion Criteria.